The following is an entry in ClinVar:

ClinVar aggregate classification (germline): Uncertain significance (1 of 4 stars; one submission).

Conditions:
Bethlem myopathy 1A. Also called: MYOPATHY, BENIGN CONGENITAL, WITH CONTRACTURES; Bethlem myopathy 1; Bethlem Muscular Dystrophy. Identifiers: Orphanet 610, MedGen CN029274, MONDO:0024530, OMIM 158810.

gnomAD v4.1: 69 of 1,614,054 alleles (0.0043%); highest among the groups gnomAD compares: Non-Finnish European, 0.0047%; no homozygotes.

Submission:

Labcorp Genetics (formerly Invitae), Labcorp
Classification: Uncertain significance for Bethlem myopathy 1A. Last evaluated: 2025-01-14. Review status: criteria provided, single submitter. Criteria: Invitae Variant Classification Sherloc (09022015). Collection method: clinical testing. Allele origin: germline.
Comment: This sequence change falls in intron 5 of the COL6A3 gene. It does not directly change the encoded amino acid sequence of the COL6A3 protein. This variant is present in population databases (rs573663410, gnomAD 0.01%). This variant has not been reported in the literature in individuals affected with COL6A3-related conditions. Algorithms developed to predict the effect of sequence changes on RNA splicing suggest that this variant may disrupt the consensus splice site. In summary, the available evidence is currently insufficient to determine the role of this variant in disease. Therefore, it has been classified as a Variant of Uncertain Significance.

NM_004369.4(COL6A3):c.1898-10T>A

Gene: COL6A3 (collagen type VI alpha 3 chain; minus strand). Cytogenetic location: 2q37.3.
Variant type: single nucleotide variant.
Coding change: c.1898-10T>A on transcript NM_004369.4 (MANE Select); 10 bases into the intron before coding-DNA position 1898, T replaced by A.
Molecular consequence: intron variant.
Genome position (GRCh38, 1-based): chr2:237,379,245, A>T on the plus strand (T>A on the coding strand, the complement: COL6A3 is on the minus strand). VCF-style: chr2-237379245-A-T. GRCh37 (hg19) VCF-style: chr2-238287888-A-T.
Other names: c.676+1670T>A (NM_057166.5); c.1280-10T>A (NM_057167.4, NM_057165.5); c.677-10T>A (NM_057164.5).
Identifiers: ClinVar variation 3670632 (VCV003670632.2).